The following is an entry in ClinVar:

ClinVar aggregate classification (germline): Likely benign. Review status: criteria provided, single submitter (1 of 4 stars). 2 submissions from 2 submitters: Likely benign (1). 1 of the submissions does not count toward it. Last evaluated 2023-09-10.

Conditions:
Hypoplastic enamel-onycholysis-hypohidrosis syndrome (TNS). Also called: WITKOP SYNDROME; ECTODERMAL DYSPLASIA 3, WITKOP TYPE; ECTODERMAL DYSPLASIA 3, TOOTH/NAIL TYPE; NAIL DYSPLASIA WITH HYPODONTIA; Tooth-and-Nail Syndrome. Identifiers: Orphanet 2228, MedGen C0406735, MONDO:0008582, OMIM 189500.
MSX1-related disorder. Also called: MSX1-related condition.

Allele frequency attached by ClinVar (database versions not stated): gnomAD 0.00003; gnomAD exomes 0.00005; ExAC 0.00009.

Submissions (2):

Labcorp Genetics (formerly Invitae), Labcorp
Classification: Likely benign for Hypoplastic enamel-onycholysis-hypohidrosis syndrome. Last evaluated: 2023-09-10. Review status: criteria provided, single submitter. Criteria: Invitae Variant Classification Sherloc (09022015). Collection method: clinical testing. Allele origin: germline.

PreventionGenetics, part of Exact Sciences
Classification: Likely benign for MSX1-related condition. Last evaluated: 2024-04-16. Review status: no assertion criteria provided. Collection method: clinical testing. Allele origin: germline. Not counted in ClinVar's aggregate classification.
Comment: This variant is classified as likely benign based on ACMG/AMP sequence variant interpretation guidelines (Richards et al. 2015 PMID: 25741868, with internal and published modifications).

NM_002448.3(MSX1):c.519T>C (p.Arg173=)

Gene: MSX1 (msh homeobox 1; plus strand). Cytogenetic location: 4p16.2.
Variant type: single nucleotide variant.
Coding change: c.519T>C on transcript NM_002448.3 (MANE Select); coding-DNA position 519, T replaced by C.
Protein change: p.Arg173=; no amino-acid change (arginine 173 retained).
Molecular consequence: synonymous variant.
Genome position (GRCh38, 1-based): chr4:4,862,750, T>C. VCF-style: chr4-4862750-T-C. GRCh37 (hg19) VCF-style: chr4-4864477-T-C.
Identifiers: ClinVar variation 2753327 (VCV002753327.5), dbSNP rs779513496, ClinGen allele CA2833067.